The following is an entry in ClinVar:

ClinVar aggregate classification (germline): Uncertain significance (1 of 4 stars; one submission).

Submission:

Labcorp Genetics (formerly Invitae), Labcorp
Classification: Uncertain significance. Last evaluated: 2022-06-21. Review status: criteria provided, single submitter. Criteria: Invitae Variant Classification Sherloc (09022015). Collection method: clinical testing. Allele origin: germline.
Comment: This variant has not been reported in the literature in individuals affected with RAI1-related conditions. In summary, the available evidence is currently insufficient to determine the role of this variant in disease. Therefore, it has been classified as a Variant of Uncertain Significance. Algorithms developed to predict the effect of missense changes on protein structure and function (SIFT, PolyPhen-2, Align-GVGD) all suggest that this variant is likely to be disruptive. This variant is not present in population databases (gnomAD no frequency). This sequence change replaces leucine, which is neutral and non-polar, with proline, which is neutral and non-polar, at codon 395 of the RAI1 protein (p.Leu395Pro).

NM_030665.4(RAI1):c.1184T>C (p.Leu395Pro)

Gene: RAI1 (retinoic acid induced 1; plus strand). Cytogenetic location: 17p11.2.
Variant type: single nucleotide variant.
Coding change: c.1184T>C on transcript NM_030665.4 (MANE Select); coding-DNA position 1184, T replaced by C.
Protein change: p.Leu395Pro; replaces leucine 395 with proline.
Molecular consequence: missense variant.
Genome position (GRCh38, 1-based): chr17:17,794,132, T>C. VCF-style: chr17-17794132-T-C. GRCh37 (hg19) VCF-style: chr17-17697446-T-C.
Other names: short protein forms L395P.
Identifiers: ClinVar variation 2008838 (VCV002008838.4), dbSNP rs2508574243, ClinGen allele CA398547070.